The following is an entry in ClinVar:

ClinVar aggregate classification (germline): Uncertain significance. Review status: criteria provided, multiple submitters, no conflicts (2 of 4 stars). 2 submissions from 2 submitters: Uncertain significance (2). Last evaluated 2025-08-31.

Conditions:
Inborn genetic diseases. Identifiers: MedGen C0950123, MeSH D030342.

Allele frequency attached by ClinVar (database versions not stated): TOPMed below 0.00001; ExAC 0.00001; gnomAD 0.00001; gnomAD exomes 0.00001.
gnomAD v4.1: 14 of 1,613,060 alleles (0.00087%); highest among the groups gnomAD compares: Middle Eastern, 0.033%; 1 homozygote.

Submissions (2):

Ambry Genetics
Classification: Uncertain significance for Inborn genetic diseases. Last evaluated: 2025-08-31. Review status: criteria provided, single submitter. Criteria: Ambry Variant Classification Scheme 2023. Collection method: clinical testing. Allele origin: germline.

Labcorp Genetics (formerly Invitae), Labcorp
Classification: Uncertain significance. Last evaluated: 2023-04-25. Review status: criteria provided, single submitter. Criteria: Invitae Variant Classification Sherloc (09022015). Collection method: clinical testing. Allele origin: germline.
Comment: This sequence change replaces asparagine, which is neutral and polar, with serine, which is neutral and polar, at codon 109 of the GNA11 protein (p.Asn109Ser). This variant is present in population databases (rs751665166, gnomAD 0.009%). This variant has not been reported in the literature in individuals affected with GNA11-related conditions. ClinVar contains an entry for this variant (Variation ID: 2169612). Advanced modeling of protein sequence and biophysical properties (such as structural, functional, and spatial information, amino acid conservation, physicochemical variation, residue mobility, and thermodynamic stability) performed at Invitae indicates that this missense variant is not expected to disrupt GNA11 protein function. In summary, the available evidence is currently insufficient to determine the role of this variant in disease. Therefore, it has been classified as a Variant of Uncertain Significance.

NM_002067.5(GNA11):c.326A>G (p.Asn109Ser)

Gene: GNA11 (G protein subunit alpha 11; plus strand). Cytogenetic location: 19p13.3.
Variant type: single nucleotide variant.
Coding change: c.326A>G on transcript NM_002067.5 (MANE Select); coding-DNA position 326, A replaced by G.
Protein change: p.Asn109Ser; replaces asparagine 109 with serine.
Molecular consequence: missense variant.
Genome position (GRCh38, 1-based): chr19:3,113,334, A>G. VCF-style: chr19-3113334-A-G. GRCh37 (hg19) VCF-style: chr19-3113332-A-G.
Other names: c.326A>G (NM_002067.2); short protein forms N109S.
Identifiers: ClinVar variation 2169612 (VCV002169612.5), dbSNP rs751665166, ClinGen allele CA9074822.